The following is an entry in ClinVar:

GRCh38/hg38 15q13.2-13.3(chr15:30094195-32151843)x1

Genes: ARHGAP11B (Rho GTPase activating protein 11B), ARHGAP11B-DT (ARHGAP11B divergent transcript), CHRFAM7A (CHRNA7 (exons 5-10) and FAM7A (exons A-E) fusion; minus strand), CHRNA7 (cholinergic receptor nicotinic alpha 7 subunit), FAN1 (FANCD2 and FANCI associated nuclease 1; plus strand) and 35 more. Cytogenetic location: 15q13.2-13.3.
Variant type: copy number loss.
Change: copy number 1 (one copy instead of two) of chr15:30,094,195-32,151,843 (2.06 Mb, GRCh38 coordinates, 1-based), cytogenetic band 15q13.2-13.3.
Identifiers: ClinVar variation 4796222 (VCV004796222.1).

ClinVar aggregate classification (germline): Pathogenic (1 of 4 stars; one submission).

Submission:

Medical Genetic Center, Changzhi Maternal and Child Health Care Hospital
Classification: Pathogenic. Last evaluated: 2025-12-10. Review status: criteria provided, single submitter. Criteria: ACMG/ClinGen CNV Guidelines, 2019. Collection method: clinical testing. Allele origin: unknown.
Comment: 2A:15q13.3 recurrent region (BP4-BP5) (includes CHRNA7)